The following is an entry in ClinVar:

ClinVar aggregate classification (germline): Likely benign. Review status: criteria provided, single submitter (1 of 4 stars). 2 submissions from 2 submitters: Likely benign (1). 1 of the submissions does not count toward it. Last evaluated 2026-05-12.

Conditions:
AFF3-related disorder. Also called: AFF3-related condition.

gnomAD v4.1: 1,265 of 1,614,236 alleles (0.078%); highest among the groups gnomAD compares: East Asian, 2.4%; 20 homozygotes.

Submissions (2):

Women's Health and Genetics/Laboratory Corporation of America, LabCorp
Classification: Likely benign. Last evaluated: 2026-05-12. Review status: criteria provided, single submitter. Criteria: LabCorp Variant Classification Summary - May 2015. Collection method: clinical testing. Allele origin: germline.

PreventionGenetics, part of Exact Sciences
Classification: Benign for AFF3-related condition. Last evaluated: 2024-03-29. Review status: no assertion criteria provided. Collection method: clinical testing. Allele origin: germline. Not counted in ClinVar's aggregate classification.
Comment: This variant is classified as benign based on ACMG/AMP sequence variant interpretation guidelines (Richards et al. 2015 PMID: 25741868, with internal and published modifications).

NM_001386135.1(AFF3):c.2714A>G (p.Asn905Ser)

Gene: AFF3 (ALF transcription elongation factor 3; minus strand). Cytogenetic location: 2q11.2.
Variant type: single nucleotide variant.
Coding change: c.2714A>G on transcript NM_001386135.1 (MANE Select); coding-DNA position 2714, A replaced by G.
Protein change: p.Asn905Ser; replaces asparagine 905 with serine.
Molecular consequence: missense variant.
Genome position (GRCh38, 1-based): chr2:99,582,877, T>C on the plus strand (A>G on the coding strand, the complement: AFF3 is on the minus strand). VCF-style: chr2-99582877-T-C. GRCh37 (hg19) VCF-style: chr2-100199339-T-C.
Other names: c.2789A>G, p.Asn930Ser (NM_001025108.2); c.2714A>G, p.Asn905Ser (NM_002285.3); short protein forms N905S, N930S.
Identifiers: ClinVar variation 3352035 (VCV003352035.2).